The following is an entry in ClinVar:

ClinVar aggregate classification (germline): Pathogenic. Review status: reviewed by expert panel (3 of 4 stars). 8 submissions from 8 submitters: Pathogenic (1). 7 of the submissions do not count toward it. Last evaluated 2017-12-15.

Conditions:
Familial prostate cancer. Also called: Hereditary Prostate Cancer. Identifiers: MedGen C2931456, MONDO:0700275, OMIM 176807.
Familial cancer of breast. Also called: hereditary breast carcinoma; BREAST CANCER, FAMILIAL; Hereditary breast cancer. Identifiers: Orphanet 227535, MedGen C0346153, MONDO:0016419, OMIM 114480. Disease mechanism: loss of function.
Breast-ovarian cancer, familial, susceptibility to, 2 (BROVCA2). Also called: BRCA2 Hereditary Breast and Ovarian Cancer. Identifiers: Orphanet 145, MedGen C2675520, MONDO:0012933, OMIM 612555. Disease mechanism: loss of function.
Medulloblastoma (MDB). Also called: Medulloblastoma, somatic; MEDULLOBLASTOMA PREDISPOSITION SYNDROME. Identifiers: Orphanet 616, MedGen C0025149, MeSH D008527, MONDO:0007959, OMIM 155255, HP:0002885.
Wilms tumor 1 (WT1). Also called: Wilms tumor, somatic. Identifiers: Orphanet 654, MedGen CN033288, MONDO:0008679, OMIM 194070.
Pancreatic cancer, susceptibility to, 2. Identifiers: Orphanet 1333, MedGen C3150546, MONDO:0013235, OMIM 613347.
Glioma susceptibility 3 (GLM3). Also called: Glioblastoma 3. Identifiers: Orphanet 182067, Orphanet 360, MedGen C2751641, MONDO:0013093, OMIM 613029.
Fanconi anemia complementation group D1. Also called: BRCA2-Related Fanconi Anemia. Identifiers: Orphanet 319462, MedGen C1838457, MONDO:0011584, OMIM 605724.
Hereditary cancer-predisposing syndrome. Also called: Hereditary Cancer Syndrome; Tumor predisposition; Neoplastic Syndromes, Hereditary; Hereditary neoplastic syndrome. Identifiers: Orphanet 140162, MedGen C0027672, MeSH D009386, MONDO:0015356.
Hereditary breast ovarian cancer syndrome. Also called: Breast and ovarian cancer; Hereditary breast and ovarian cancer syndrome; BRCA1- and BRCA2-Associated Hereditary Breast and Ovarian Cancer; Hereditary breast and ovarian cancer syndrome (HBOC); Hereditary breast and/or ovarian cancer syndrome; Hereditary breast and ovarian cancer. Identifiers: Orphanet 145, MedGen C0677776, MeSH D061325, MONDO:0003582. Disease mechanism: loss of function.

Submissions (8):

Evidence-based Network for the Interpretation of Germline Mutant Alleles (ENIGMA)
Classification: Pathogenic for Breast-ovarian cancer, familial, susceptibility to, 2. Last evaluated: 2017-12-15. Review status: reviewed by expert panel. Criteria: ENIGMA BRCA1/2 Classification Criteria (2017-06-29). Collection method: curation. Allele origin: germline. Study: ENIGMA.
Comment: Variant allele predicted to encode a truncated non-functional protein.

Labcorp Genetics (formerly Invitae), Labcorp
Classification: Pathogenic for Hereditary breast ovarian cancer syndrome. Last evaluated: 2025-10-01. Review status: criteria provided, single submitter. Criteria: Invitae Variant Classification Sherloc (09022015). Collection method: clinical testing. Allele origin: germline. Not counted in ClinVar's aggregate classification.
Comment: This sequence change creates a premature translational stop signal (p.Gln2164Argfs*4) in the BRCA2 gene. It is expected to result in an absent or disrupted protein product. Loss-of-function variants in BRCA2 are known to be pathogenic (PMID: 20104584). This variant is not present in population databases (gnomAD no frequency). This premature translational stop signal has been observed in individual(s) with breast cancer (PMID: 26221963). ClinVar contains an entry for this variant (Variation ID: 431328). For these reasons, this variant has been classified as Pathogenic.

Ambry Genetics
Classification: Pathogenic for Hereditary cancer-predisposing syndrome. Last evaluated: 2024-03-13. Review status: criteria provided, single submitter. Criteria: Ambry Variant Classification Scheme 2023. Collection method: clinical testing. Allele origin: germline. Not counted in ClinVar's aggregate classification.
Comment: The c.6491delA pathogenic mutation, located in coding exon 10 of the BRCA2 gene, results from a deletion of one nucleotide at nucleotide position 6491, causing a translational frameshift with a predicted alternate stop codon (p.Q2164Rfs*4). This alteration was reported in an individual diagnosed with breast cancer (Wong ES et al. PLoS ONE, 2015 Jul;10:e0134408). In addition to the clinical data presented in the literature, this alteration is expected to result in loss of function by premature protein truncation or nonsense-mediated mRNA decay. As such, this alteration is interpreted as a disease-causing mutation.

Clinical Genetics Laboratory, Skane University Hospital Lund
Classification: Pathogenic. Last evaluated: 2024-02-02. Review status: criteria provided, single submitter. Criteria: ACMG Guidelines, 2015. Collection method: clinical testing. Allele origin: germline. Affected: yes. Not counted in ClinVar's aggregate classification.

Department of Pathology and Laboratory Medicine, Sinai Health System
Classification: Pathogenic for Familial cancer of breast; Medulloblastoma; Familial prostate cancer; Wilms tumor 1; Fanconi anemia complementation group D1; Breast-ovarian cancer, familial, susceptibility to, 2; Glioma susceptibility 3; Pancreatic cancer, susceptibility to, 2. Last evaluated: 2021-05-12. Review status: criteria provided, single submitter. Criteria: ACMG Guidelines, 2015. Collection method: clinical testing. Allele origin: germline. Affected: no. Not counted in ClinVar's aggregate classification.

Color Diagnostics, LLC DBA Color Health
Classification: Pathogenic for Hereditary cancer-predisposing syndrome. Last evaluated: 2020-05-22. Review status: criteria provided, single submitter. Criteria: ACMG Guidelines, 2015. Collection method: clinical testing. Allele origin: germline. Not counted in ClinVar's aggregate classification.
Comment: This variant deletes 1 nucleotide in exon 11 of the BRCA2 gene, creating a frameshift and premature translation stop signal. This variant is expected to result in an absent or non-functional protein product. This variant has been reported in an individual affected with breast cancer (PMID: 26221963). This variant has not been identified in the general population by the Genome Aggregation Database (gnomAD). Loss of BRCA2 function is a known mechanism of disease. Based on the available evidence, this variant is classified as Pathogenic.

Quest Diagnostics Nichols Institute San Juan Capistrano
Classification: Pathogenic. Last evaluated: 2017-03-08. Review status: criteria provided, single submitter. Criteria: Quest Diagnostics criteria. Collection method: clinical testing. Allele origin: germline. Not counted in ClinVar's aggregate classification.

Research Molecular Genetics Laboratory, Women's College Hospital, University of Toronto
Classification: Pathogenic for Hereditary breast ovarian cancer syndrome. Last evaluated: 2014-01-31. Review status: no assertion criteria provided. Collection method: research. Allele origin: germline. Affected: yes. Study: The Canadian Open Genetics Repository (COGR). Not counted in ClinVar's aggregate classification.

Literature cited by the submitters: PubMed 20104584 (cited by Labcorp Genetics (formerly Invitae), Labcorp); PubMed 26221963 (cited by 4 submitters).

NM_000059.4(BRCA2):c.6491del (p.Gln2164fs)

Gene: BRCA2 (BRCA2 DNA repair associated; plus strand). Cytogenetic location: 13q13.1.
Variant type: Deletion.
Coding change: c.6491del on transcript NM_000059.4 (MANE Select); coding-DNA position 6491, one base deleted (A; older notation c.6491delA).
Protein change: p.Gln2164fs; shifts the reading frame from glutamine 2164.
Molecular consequence: frameshift variant.
Genome position (GRCh38, 1-based): chr13:32,340,846, A deleted. VCF-style (leftmost placement, unchanged base first): chr13-32340845-CA-C. GRCh37 (hg19) VCF-style: chr13-32914982-CA-C.
Other names: c.6491delA (NM_000059.3).
Identifiers: ClinVar variation 431328 (VCV000431328.19), dbSNP rs1135401914, ClinGen allele CA645372975.